The following is an entry in ClinVar:

NM_006218.4(PIK3CA):c.1166A>G (p.Tyr389Cys)

Gene: PIK3CA (phosphatidylinositol-4,5-bisphosphate 3-kinase catalytic subunit alpha; plus strand). Cytogenetic location: 3q26.32.
Variant type: single nucleotide variant.
Coding change: c.1166A>G on transcript NM_006218.4 (MANE Select); coding-DNA position 1166, A replaced by G.
Protein change: p.Tyr389Cys; replaces tyrosine 389 with cysteine.
Molecular consequence: missense variant.
Genome position (GRCh38, 1-based): chr3:179,209,615, A>G. VCF-style: chr3-179209615-A-G. GRCh37 (hg19) VCF-style: chr3-178927403-A-G.
Other names: short protein forms Y389C.
Identifiers: ClinVar variation 3306603 (VCV003306603.1).
Genomic context (GRCh38, chr3:179,209,615, plus strand): 5'-TTTTCTTGATGTATTATTTTTGCTTTAAAATTTTACATAGGTGGAATGAATGGCTGAATT[A>G]TGATATATACATTCCTGATCTTCCTCGTGCTGCTCGACTTTGCCTTTCCATTTGCTCTGT-3'
Protein context (NP_006209.2, residues 379-399): SNPRWNEWLN[Tyr389Cys]DIYIPDLPRA

ClinVar aggregate classification (germline): Uncertain significance (1 of 4 stars; one submission).

Conditions:
Inborn genetic diseases. Identifiers: MedGen C0950123, MeSH D030342.

gnomAD v4.1: 2 of 1,606,726 alleles (0.00012%); highest among the groups gnomAD compares: African/African-American, 0.0013%; no homozygotes.

Submission:

Ambry Genetics
Classification: Uncertain significance for Inborn genetic diseases. Last evaluated: 2024-06-15. Review status: criteria provided, single submitter. Criteria: Ambry Variant Classification Scheme 2023. Collection method: clinical testing. Allele origin: germline.
Comment: The p.Y389C variant (also known as c.1166A>G), located in coding exon 6 of the PIK3CA gene, results from an A to G substitution at nucleotide position 1166. The tyrosine at codon 389 is replaced by cysteine, an amino acid with highly dissimilar properties. This amino acid position is conserved. In addition, this alteration is predicted to be deleterious by in silico analysis. Based on the available evidence, the clinical significance of this variant remains unclear.